The following is an entry in ClinVar:

NM_020699.4(GATAD2B):c.947T>A (p.Ile316Asn)

Gene: GATAD2B (GATA zinc finger domain containing 2B; minus strand). Cytogenetic location: 1q21.3.
Variant type: single nucleotide variant.
Coding change: c.947T>A on transcript NM_020699.4 (MANE Select); coding-DNA position 947, T replaced by A.
Protein change: p.Ile316Asn; replaces isoleucine 316 with asparagine.
Molecular consequence: missense variant.
Genome position (GRCh38, 1-based): chr1:153,816,542, A>T on the plus strand (T>A on the coding strand, the complement: GATAD2B is on the minus strand). VCF-style: chr1-153816542-A-T. GRCh37 (hg19) VCF-style: chr1-153789018-A-T.
Other names: short protein forms I316N.
Identifiers: ClinVar variation 1033947 (VCV001033947.1), dbSNP rs1674488908, ClinGen allele CA342528203.
Genomic context (GRCh38, chr1:153,816,542, plus strand): 5'-AGTGGCGAGGACACTCTGTTCACCGTCCCTGGCTGGATATGAGAAGCAAGGTTCATATAG[A>T]TGGCAGAGGATGTTGTACGCTGACATGGAACAGAAGAACTTGACTGCTGAAATAGATTGA-3'
Protein context (NP_065750.1, residues 306-326): VPCQRTTSSA[Ile316Asn]YMNLASHIQP

ClinVar aggregate classification (germline): Uncertain significance (1 of 4 stars; one submission).

Conditions:
Severe intellectual disability-poor language-strabismus-grimacing face-long fingers syndrome (GAND). Also called: GAND SYNDROME. Identifiers: Orphanet 363686, MedGen C3554448, MONDO:0014034, OMIM 615074.

Submission:

Baylor Genetics
Classification: Uncertain significance for Severe intellectual disability-poor language-strabismus-grimacing face-long fingers syndrome. Last evaluated: 2018-12-26. Review status: criteria provided, single submitter. Criteria: ACMG Guidelines, 2015. Collection method: clinical testing. Allele origin: paternal. Affected: yes.
Comment: This variant was determined to be of uncertain significance according to ACMG Guidelines, 2015 [PMID:25741868].